The following is an entry in ClinVar:

ClinVar aggregate classification (germline): Uncertain significance (1 of 4 stars; one submission).

Conditions:
Epilepsy, X-linked 1, with variable learning disabilities and behavior disorders. Also called: X-linked epilepsy-learning disabilities-behavior disorders syndrome. Identifiers: Orphanet 85294, MedGen C5774177, MONDO:0010339, OMIM 300491.

Allele frequency attached by ClinVar (database versions not stated): gnomAD 0.00001; TOPMed 0.00002.

Submission:

Labcorp Genetics (formerly Invitae), Labcorp
Classification: Uncertain significance for Epilepsy, X-linked 1, with variable learning disabilities and behavior disorders. Last evaluated: 2025-07-06. Review status: criteria provided, single submitter. Criteria: Invitae Variant Classification Sherloc (09022015). Collection method: clinical testing. Allele origin: germline.
Comment: This sequence change replaces arginine, which is basic and polar, with tryptophan, which is neutral and slightly polar, at codon 534 of the SYN1 protein (p.Arg534Trp). The frequency data for this variant in the population databases is considered unreliable, as metrics indicate insufficient coverage at this position in the gnomAD database. This variant has not been reported in the literature in individuals affected with SYN1-related conditions. ClinVar contains an entry for this variant (Variation ID: 2196617). Experimental studies and prediction algorithms are not available or were not evaluated, and the functional significance of this variant is currently unknown. In summary, the available evidence is currently insufficient to determine the role of this variant in disease. Therefore, it has been classified as a Variant of Uncertain Significance.

NM_006950.3(SYN1):c.1600C>T (p.Arg534Trp)

Gene: SYN1 (synapsin I; minus strand). Cytogenetic location: Xp11.3.
Variant type: single nucleotide variant.
Coding change: c.1600C>T on transcript NM_006950.3 (MANE Select); coding-DNA position 1600, C replaced by T.
Protein change: p.Arg534Trp; replaces arginine 534 with tryptophan.
Molecular consequence: missense variant.
Genome position (GRCh38, 1-based): chrX:47,574,384, G>A on the plus strand (C>T on the coding strand, the complement: SYN1 is on the minus strand). VCF-style: chrX-47574384-G-A. GRCh37 (hg19) VCF-style: chrX-47433783-G-A.
Other names: c.1600C>T, p.Arg534Trp (NM_133499.2); short protein forms R534W.
Identifiers: ClinVar variation 2196617 (VCV002196617.4), dbSNP rs1475011679, ClinGen allele CA412823141.
Genomic context (GRCh38, chrX:47,574,384, plus strand): 5'-GAGACGGAGAGGCGGGCGGGCGGGCTGCTGGAGGCGCCCCGGGGCCTCCCGCCACTGGCC[G>A]GGATTGGCGGCCTTGACCCTGGGTCGGCGGCGCGGCCTGGGACGCGGGCTGCTGGGGCGC-3'
Protein context (NP_008881.2, residues 524-544): PPTQGQGRQS[Arg534Trp]PVAGGPGAPP